The following is an entry in ClinVar:

ClinVar aggregate classification (germline): Uncertain significance (1 of 4 stars; one submission).

Allele frequency attached by ClinVar (database versions not stated): gnomAD exomes below 0.00001; gnomAD 0.00001; TOPMed 0.00001.

Submission:

Labcorp Genetics (formerly Invitae), Labcorp
Classification: Uncertain significance. Last evaluated: 2022-07-01. Review status: criteria provided, single submitter. Criteria: Invitae Variant Classification Sherloc (09022015). Collection method: clinical testing. Allele origin: germline.
Comment: In summary, the available evidence is currently insufficient to determine the role of this variant in disease. Therefore, it has been classified as a Variant of Uncertain Significance. Algorithms developed to predict the effect of missense changes on protein structure and function are either unavailable or do not agree on the potential impact of this missense change (SIFT: "Tolerated"; PolyPhen-2: "Possibly Damaging"; Align-GVGD: "Class C15"). This variant has not been reported in the literature in individuals affected with OSGEP-related conditions. This variant is present in population databases (no rsID available, gnomAD 0.006%). This sequence change replaces isoleucine, which is neutral and non-polar, with valine, which is neutral and non-polar, at codon 153 of the OSGEP protein (p.Ile153Val).

NM_017807.4(OSGEP):c.457A>G (p.Ile153Val)

Gene: OSGEP (O-sialoglycoprotein endopeptidase; minus strand). Cytogenetic location: 14q11.2.
Variant type: single nucleotide variant.
Coding change: c.457A>G on transcript NM_017807.4 (MANE Select); coding-DNA position 457, A replaced by G.
Protein change: p.Ile153Val; replaces isoleucine 153 with valine.
Molecular consequence: missense variant.
Genome position (GRCh38, 1-based): chr14:20,449,221, T>C on the plus strand (A>G on the coding strand, the complement: OSGEP is on the minus strand). VCF-style: chr14-20449221-T-C. GRCh37 (hg19) VCF-style: chr14-20917380-T-C.
Other names: short protein forms I153V.
Identifiers: ClinVar variation 2075447 (VCV002075447.4), dbSNP rs1290770454, ClinGen allele CA389121882.